The following is an entry in ClinVar:

ClinVar aggregate classification (germline): Uncertain significance. Review status: criteria provided, multiple submitters, no conflicts (2 of 4 stars). 5 submissions from 5 submitters: Uncertain significance (4). 1 of the submissions does not count toward it. Last evaluated 2024-05-22.

Conditions:
Retinitis pigmentosa 25 (RP25). Identifiers: Orphanet 791, MedGen C1864446, MONDO:0011272, OMIM 602772.
Retinitis pigmentosa (RP). Identifiers: Orphanet 791, MedGen C0035334, MeSH D012174, MONDO:0019200, OMIM 268000. Inheritance: Autosomal dominant, autosomal recessive and X linked inheritance.

Submissions (5):

Labcorp Genetics (formerly Invitae), Labcorp
Classification: Uncertain significance. Last evaluated: 2024-05-22. Review status: criteria provided, single submitter. Criteria: Invitae Variant Classification Sherloc (09022015). Collection method: clinical testing. Allele origin: germline.
Comment: This variant, c.1561_1563del, results in the deletion of 1 amino acid(s) of the EYS protein (p.Asn521del), but otherwise preserves the integrity of the reading frame. This variant is present in population databases (rs747069281, gnomAD 0.007%). This variant has been observed in individual(s) with EYS-related conditions (PMID: 35836572). Experimental studies and prediction algorithms are not available or were not evaluated, and the functional significance of this variant is currently unknown. In summary, the available evidence is currently insufficient to determine the role of this variant in disease. Therefore, it has been classified as a Variant of Uncertain Significance.

Genomic Medicine Center of Excellence, King Faisal Specialist Hospital and Research Centre
Classification: Uncertain significance for Retinitis pigmentosa 25. Last evaluated: 2024-03-26. Review status: criteria provided, single submitter. Criteria: ACMG Guidelines, 2015. Collection method: clinical testing. Allele origin: germline.

Blueprint Genetics
Classification: Uncertain significance. Last evaluated: 2024-02-01. Review status: criteria provided, single submitter. Criteria: ACMG Guidelines, 2015. Collection method: clinical testing. Allele origin: germline.

Breakthrough Genomics
Classification: Uncertain significance. Review status: criteria provided, single submitter. Criteria: ACMG Guidelines, 2015. Collection method: not provided. Allele origin: germline. Inheritance: Autosomal recessive inheritance. Affected: yes.

Sharon lab, Hadassah-Hebrew University Medical Center
Classification: Pathogenic for Retinitis pigmentosa. Last evaluated: 2019-06-23. Review status: no assertion criteria provided. Collection method: research. Allele origin: inherited. Affected: yes. Not counted in ClinVar's aggregate classification.

Literature cited by the submitters: PubMed 35836572 (cited by Labcorp Genetics (formerly Invitae), Labcorp).

NM_001142800.2(EYS):c.1558AAT[1] (p.Asn521del)

Gene: EYS (EGF-like photoreceptor maintenance factor; minus strand). Cytogenetic location: 6q12.
Variant type: Microsatellite.
Coding change: c.1558AAT[1] on transcript NM_001142800.2 (MANE Select); one copy of the 3-base unit AAT starting at c.1558; the reference has two copies in a row; one copy, 3 bases deleted; also written c.1561_1563del.
Protein change: p.Asn521del; deletes asparagine 521.
Molecular consequence: inframe deletion.
Genome position (GRCh38, 1-based): chr6:65,344,074-65,344,076, ATT deleted on the plus strand (AAT on the coding strand, the reverse complement: EYS is on the minus strand); deleting any 3 consecutive bases within chr6:65,344,074-65,344,081 gives the same sequence; the position shown is the placement nearest the transcript's 3' end. VCF-style (leftmost placement, unchanged base first): chr6-65344073-AATT-A. GRCh37 (hg19) VCF-style: chr6-66053966-AATT-A.
Other names: c.1558AAT[1], p.Asn521del (NM_001142801.2, NM_001292009.2, NM_198283.2); c.1561_1563del (NM_001292009.1, NM_001142800.2); short protein forms N521del.
Identifiers: ClinVar variation 812319 (VCV000812319.8), dbSNP rs747069281, ClinGen allele CA3877698.